The following is an entry in ClinVar:

ClinVar aggregate classification (germline): Uncertain significance (1 of 4 stars; one submission).

Conditions:
Isovaleryl-CoA dehydrogenase deficiency (IVA). Also called: IVD DEFICIENCY; ISOVALERIC ACID CoA DEHYDROGENASE DEFICIENCY; Classic Isovaleric Acidemia; Isovaleric acidemia. Identifiers: Orphanet 33, MedGen C0268575, MONDO:0009475, OMIM 243500.

gnomAD v4.1: 3 of 1,614,040 alleles (0.00019%); highest among the groups gnomAD compares: African/African-American, 0.0027%; no homozygotes.

Submission:

Labcorp Genetics (formerly Invitae), Labcorp
Classification: Uncertain significance for Isovaleryl-CoA dehydrogenase deficiency. Last evaluated: 2024-05-10. Review status: criteria provided, single submitter. Criteria: Invitae Variant Classification Sherloc (09022015). Collection method: clinical testing. Allele origin: germline.
Comment: This sequence change replaces asparagine, which is neutral and polar, with serine, which is neutral and polar, at codon 422 of the IVD protein (p.Asn422Ser). This variant is not present in population databases (gnomAD no frequency). This variant has not been reported in the literature in individuals affected with IVD-related conditions. An algorithm developed to predict the effect of missense changes on protein structure and function (PolyPhen-2) suggests that this variant is likely to be disruptive. In summary, the available evidence is currently insufficient to determine the role of this variant in disease. Therefore, it has been classified as a Variant of Uncertain Significance.

NM_002225.5(IVD):c.1256A>G (p.Asn419Ser)

Gene: IVD (isovaleryl-CoA dehydrogenase; plus strand). Cytogenetic location: 15q15.1.
Variant type: single nucleotide variant.
Coding change: c.1256A>G on transcript NM_002225.5 (MANE Select); coding-DNA position 1256, A replaced by G.
Protein change: p.Asn419Ser; replaces asparagine 419 with serine.
Molecular consequence: missense variant. On other transcripts: intron variant (3).
Genome position (GRCh38, 1-based): chr15:40,418,247, A>G. VCF-style: chr15-40418247-A-G. GRCh37 (hg19) VCF-style: chr15-40710446-A-G.
Other names: c.1166A>G, p.Asn389Ser (NM_001159508.3); c.1208A>G, p.Asn403Ser (NM_001354597.3); c.1343A>G, p.Asn448Ser (NM_001354599.3); c.1225+1885A>G (NM_001354600.3); c.1138+1885A>G (NM_001354598.3, NM_001354601.3); short protein forms N389S, N403S, N419S, N448S.
Identifiers: ClinVar variation 3624897 (VCV003624897.1).